The following is an entry in ClinVar:

NM_000836.4(GRIN2D):c.3213_3214delinsTT (p.Leu1071_Leu1072=)

Gene: GRIN2D (glutamate ionotropic receptor NMDA type subunit 2D; plus strand). Cytogenetic location: 19q13.33.
Variant type: Indel.
Coding change: c.3213_3214delinsTT on transcript NM_000836.4 (MANE Select); coding-DNA positions 3213 to 3214, GC replaced by TT.
Protein change: p.Leu1071_Leu1072=.
Molecular consequence: synonymous variant.
Genome position (GRCh38, 1-based): chr19:48,443,139-48,443,140, GC replaced by TT. VCF-style: chr19-48443139-GC-TT. GRCh37 (hg19) VCF-style: chr19-48946396-GC-TT.
Identifiers: ClinVar variation 3010176 (VCV003010176.3), dbSNP rs2513692773, ClinGen allele CA2740096952.

ClinVar aggregate classification (germline): Uncertain significance (1 of 4 stars; one submission).

Submission:

Labcorp Genetics (formerly Invitae), Labcorp
Classification: Uncertain significance. Last evaluated: 2025-07-01. Review status: criteria provided, single submitter. Criteria: Invitae Variant Classification Sherloc (09022015). Collection method: clinical testing. Allele origin: germline.
Comment: This sequence change affects codon 1071 of the GRIN2D mRNA. It is a 'silent' change, meaning that it does not change the encoded amino acid sequence of the GRIN2D protein. The frequency data for this variant in the population databases is considered unreliable, as metrics indicate insufficient coverage at this position in the gnomAD database. This variant has not been reported in the literature in individuals affected with GRIN2D-related conditions. ClinVar contains an entry for this variant (Variation ID: 3010176). In summary, the available evidence is currently insufficient to determine the role of this variant in disease. Therefore, it has been classified as a Variant of Uncertain Significance.